The following is an entry in ClinVar:

NM_024753.5(TTC21B):c.51A>G (p.Arg17=)

Gene: TTC21B (tetratricopeptide repeat domain 21B; minus strand). Cytogenetic location: 2q24.3.
Variant type: single nucleotide variant.
Coding change: c.51A>G on transcript NM_024753.5 (MANE Select); coding-DNA position 51, A replaced by G.
Protein change: p.Arg17=; no amino-acid change (arginine 17 retained).
Molecular consequence: synonymous variant.
Genome position (GRCh38, 1-based): chr2:165,949,695, T>C on the plus strand (A>G on the coding strand, the complement: TTC21B is on the minus strand). VCF-style: chr2-165949695-T-C. GRCh37 (hg19) VCF-style: chr2-166806205-T-C.
Other names: c.51A>G (NM_024753.4).
Identifiers: ClinVar variation 1374853 (VCV001374853.9), dbSNP rs1242174524, ClinGen allele CA429974939.
Genomic context (GRCh38, chr2:165,949,695, plus strand): 5'-TGGATCACTTCCATACCTCTTAATTCCTTCACTGGCAACCAGTAATACATGATGGAAATA[T>C]CTCTCTTGACAATAGTAATTAATCAAAGTCTAAATGGAAATAATGAAAAAATGTTATAAA-3'
Protein context (NP_079029.3, residues 7-27): KTLINYYCQE[Arg17=]YFHHVLLVAS

ClinVar aggregate classification (germline): Likely benign. Review status: criteria provided, multiple submitters, no conflicts (2 of 4 stars). 2 submissions from 2 submitters: Likely benign (2). Last evaluated 2026-09-01.

Conditions:
Nephronophthisis. Also called: Juvenile Nephronophthisis. Identifiers: Orphanet 655, MedGen C0687120, MONDO:0019005, HP:0000090.
Jeune thoracic dystrophy. Also called: Jeune syndrome; Infantile thoracic dystrophy; Thoracic pelvic phalangeal dystrophy; Jeune's syndrome; Chondroectodermal dysplasia-like syndrome; Short-rib thoracic dysplasia. Identifiers: Orphanet 474, MedGen C0265275, MONDO:0018770.
TTC21B-related disorder. Also called: TTC21B-related disorders; TTC21B-related condition.

Allele frequency attached by ClinVar (database versions not stated): gnomAD 0.00001; TOPMed 0.00001; gnomAD exomes 0.00002.
gnomAD v4.1: 27 of 1,611,650 alleles (0.0017%); highest among the groups gnomAD compares: East Asian, 0.0022%; no homozygotes.

Submissions (2):

PreventionGenetics, part of Exact Sciences
Classification: Likely benign for TTC21B-related condition. Last evaluated: 2026-09-01. Review status: criteria provided, single submitter. Criteria: ACMG Guidelines, 2015. Collection method: clinical testing. Allele origin: germline.
Comment: This variant is classified as likely benign based on ACMG/AMP sequence variant interpretation guidelines (Richards et al. 2015 PMID: 25741868, with internal and published modifications).

Labcorp Genetics (formerly Invitae), Labcorp
Classification: Likely benign for Jeune thoracic dystrophy; Nephronophthisis. Last evaluated: 2024-02-17. Review status: criteria provided, single submitter. Criteria: Invitae Variant Classification Sherloc (09022015). Collection method: clinical testing. Allele origin: germline.